The following is an entry in ClinVar:

NM_020529.3(NFKBIA):c.419G>A (p.Arg140Gln)

Genes: NFKBIA (NFKB inhibitor alpha; minus strand), LOC130055494 (ATAC-STARR-seq lymphoblastoid active region 8276; plus strand). Cytogenetic location: 14q13.2.
Variant type: single nucleotide variant.
Coding change: c.419G>A on transcript NM_020529.3 (MANE Select); coding-DNA position 419, G replaced by A.
Protein change: p.Arg140Gln; replaces arginine 140 with glutamine.
Molecular consequence: missense variant.
Genome position (GRCh38, 1-based): chr14:35,403,278, C>T on the plus strand (G>A on the coding strand, the complement: NFKBIA is on the minus strand). VCF-style: chr14-35403278-C-T. GRCh37 (hg19) VCF-style: chr14-35872484-C-T.
Other names: short protein forms R140Q.
Identifiers: ClinVar variation 2979792 (VCV002979792.3), dbSNP rs771984394, ClinGen allele CA7155472.

ClinVar aggregate classification (germline): Uncertain significance (1 of 4 stars; one submission).

Conditions:
Ectodermal dysplasia and immunodeficiency 2. Identifiers: Orphanet 238468, Orphanet 98813, MedGen C2677481, MONDO:0012806, OMIM 612132.

Allele frequency attached by ClinVar (database versions not stated): gnomAD exomes 0.00001; ExAC 0.00002.

Submission:

Labcorp Genetics (formerly Invitae), Labcorp
Classification: Uncertain significance for Ectodermal dysplasia and immunodeficiency 2. Last evaluated: 2023-06-23. Review status: criteria provided, single submitter. Criteria: Invitae Variant Classification Sherloc (09022015). Collection method: clinical testing. Allele origin: germline.
Comment: This sequence change replaces arginine, which is basic and polar, with glutamine, which is neutral and polar, at codon 140 of the NFKBIA protein (p.Arg140Gln). This variant is present in population databases (rs771984394, gnomAD 0.01%). This variant has not been reported in the literature in individuals affected with NFKBIA-related conditions. An algorithm developed to predict the effect of missense changes on protein structure and function (PolyPhen-2) suggests that this variant is likely to be tolerated. In summary, the available evidence is currently insufficient to determine the role of this variant in disease. Therefore, it has been classified as a Variant of Uncertain Significance.